The following is an entry in ClinVar:

NM_018979.4(WNK1):c.1479T>C (p.Asp493=)

Gene: WNK1 (WNK lysine deficient protein kinase 1; plus strand). Cytogenetic location: 12p13.33.
Variant type: single nucleotide variant.
Coding change: c.1479T>C on transcript NM_018979.4 (MANE Select); coding-DNA position 1479, T replaced by C.
Protein change: p.Asp493=; no amino-acid change (aspartic acid 493 retained).
Molecular consequence: synonymous variant.
Genome position (GRCh38, 1-based): chr12:859,323, T>C. VCF-style: chr12-859323-T-C. GRCh37 (hg19) VCF-style: chr12-968489-T-C.
Other names: p.D493D:GAT>GAC; p.Asp493=; c.1479T>C, p.Asp493= (NM_001184985.2, NM_014823.3, NM_213655.5).
Identifiers: ClinVar variation 137923 (VCV000137923.24), dbSNP rs2286006, ClinGen allele CA291632.
Genomic context (GRCh38, chr12:859,323, plus strand): 5'-TTTGAACCATGCCTTCTTCCAAGAGGAAACAGGAGTACGGGTAGAATTAGCAGAAGAAGA[T>C]GATGGAGAAAAAATAGCCATAAAATTATGGCTACGTATTGAAGATATTAAGAAATTAAAG-3'
Protein context (NP_061852.3, residues 483-503): TGVRVELAEE[Asp493=]DGEKIAIKLW

ClinVar aggregate classification (germline): Benign. Review status: criteria provided, multiple submitters, no conflicts (2 of 4 stars). 11 submissions from 11 submitters: Benign (9). 2 of the submissions do not count toward it. Last evaluated 2026-02-04.

Conditions:
Neuropathy, hereditary sensory and autonomic, type 2A (HSAN2A). Also called: WNK1-Related HSAN2 (HSAN2A); HSAN IIA; ACROOSTEOLYSIS, GIACCAI TYPE; ACROOSTEOLYSIS, NEUROGENIC; MORVAN DISEASE; NEUROPATHY, CONGENITAL SENSORY. Identifiers: Orphanet 970, MedGen C2752089, MONDO:0024309, OMIM 201300.
Pseudohypoaldosteronism type 2C (PHA2C). Also called: Pseudohypoaldosteronism Type IIC. Identifiers: Orphanet 757, Orphanet 88940, MedGen C1840391, MONDO:0013778, OMIM 614492.

Allele frequency attached by ClinVar (database versions not stated): 1000 Genomes Project 30x 0.09275; 1000 Genomes Project 0.09345; TOPMed 0.10696; ESP Exome Variant Server 0.11543; gnomAD 0.12413 and 0.12523; gnomAD exomes 0.14638 and 0.15104; ExAC 0.14876.
gnomAD v4.1: 239,615 of 1,612,990 alleles (15%); highest among the groups gnomAD compares: Middle Eastern, 20%; 19,482 homozygotes.

Submissions (11):

Labcorp Genetics (formerly Invitae), Labcorp
Classification: Benign for Neuropathy, hereditary sensory and autonomic, type 2A; Pseudohypoaldosteronism type 2C. Last evaluated: 2026-02-04. Review status: criteria provided, single submitter. Criteria: Invitae Variant Classification Sherloc (09022015). Collection method: clinical testing. Allele origin: germline.

Blueprint Genetics
Classification: Benign. Last evaluated: 2024-11-27. Review status: criteria provided, single submitter. Criteria: ACMG Guidelines, 2015. Collection method: clinical testing. Allele origin: germline.

Mayo Clinic Laboratories, Mayo Clinic
Classification: Benign. Last evaluated: 2022-03-09. Review status: criteria provided, single submitter. Criteria: ACMG Guidelines, 2015. Collection method: clinical testing. Allele origin: germline. Observed: 625 variant alleles.

Genome-Nilou Lab
Classification: Benign for Neuropathy, hereditary sensory and autonomic, type 2A. Last evaluated: 2021-07-14. Review status: criteria provided, single submitter. Criteria: ACMG Guidelines, 2015. Collection method: clinical testing. Allele origin: germline. Affected: no.

Illumina Laboratory Services, Illumina
Classification: Benign for Pseudohypoaldosteronism type 2C. Last evaluated: 2018-01-12. Review status: criteria provided, single submitter. Criteria: ICSL Variant Classification Criteria 13 December 2019. Collection method: clinical testing. Allele origin: germline.
Comment: This variant was observed in the ICSL laboratory as part of a predisposition screen in an ostensibly healthy population. It had not been previously curated by ICSL or reported in the Human Gene Mutation Database (HGMD: prior to June 1st, 2018), and was therefore a candidate for classification through an automated scoring system. Utilizing variant allele frequency, disease prevalence and penetrance estimates, and inheritance mode, an automated score was calculated to assess if this variant is too frequent to cause the disease. Based on the score and internal cut-off values, a variant classified as benign is not then subjected to further curation. The score for this variant resulted in a classification of benign for this disease.

Athena Diagnostics
Classification: Benign for Neuropathy, hereditary sensory and autonomic, type 2A. Last evaluated: 2017-06-12. Review status: criteria provided, single submitter. Criteria: Athena Diagnostics Criteria. Collection method: clinical testing. Allele origin: germline.

GeneDx
Classification: Benign. Last evaluated: 2014-03-07. Review status: criteria provided, single submitter. Criteria: GeneDx Variant Classification (06012015). Collection method: clinical testing. Allele origin: germline. Affected: yes.
Comment: This variant is considered likely benign or benign based on one or more of the following criteria: it is a conservative change, it occurs at a poorly conserved position in the protein, it is predicted to be benign by multiple in silico algorithms, and/or has population frequency not consistent with disease.

Breakthrough Genomics
Classification: Benign. Review status: criteria provided, single submitter. Criteria: ACMG Guidelines, 2015. Collection method: not provided. Allele origin: germline. Inheritance: Autosomal recessive inheritance. Affected: yes.

PreventionGenetics, part of Exact Sciences
Classification: Benign. Review status: criteria provided, single submitter. Criteria: ACMG Guidelines, 2015. Collection method: clinical testing. Allele origin: germline.

Clinical Genetics, Academic Medical Center
Classification: Benign. Review status: no assertion criteria provided. Collection method: clinical testing. Allele origin: germline. Affected: yes. Study: VKGL Data-share Consensus. Not counted in ClinVar's aggregate classification.

Joint Genome Diagnostic Labs from Nijmegen and Maastricht, Radboudumc and MUMC+
Classification: Benign. Review status: no assertion criteria provided. Collection method: clinical testing. Allele origin: germline. Affected: yes. Study: VKGL Data-share Consensus. Not counted in ClinVar's aggregate classification.